The following is an entry in ClinVar:

NM_000053.4(ATP7B):c.2390C>T (p.Ser797Phe)

Gene: ATP7B (ATPase copper transporting beta; minus strand). Cytogenetic location: 13q14.3.
Variant type: single nucleotide variant.
Coding change: c.2390C>T on transcript NM_000053.4 (MANE Select); coding-DNA position 2390, C replaced by T.
Protein change: p.Ser797Phe; replaces serine 797 with phenylalanine.
Molecular consequence: missense variant.
Genome position (GRCh38, 1-based): chr13:51,957,573, G>A on the plus strand (C>T on the coding strand, the complement: ATP7B is on the minus strand). VCF-style: chr13-51957573-G-A. GRCh37 (hg19) VCF-style: chr13-52531709-G-A.
Other names: c.1904C>T, p.Ser635Phe (NM_001005918.3); c.2057C>T, p.Ser686Phe (NM_001243182.2); c.2156C>T, p.Ser719Phe (NM_001330578.2); c.2138C>T, p.Ser713Phe (NM_001330579.2); short protein forms S797F, S635F, S713F, S686F, S719F.
Identifiers: ClinVar variation 550183 (VCV000550183.3), dbSNP rs1555290883, ClinGen allele CA388020347.
Genomic context (GRCh38, chr13:51,957,573, plus strand): 5'-CACCTGATGATTAAATTGTCCTCACCAAGGGTCACAACGGTGGCTTCTGTGGCTTGGAGA[G>A]ACATGAGTTTAGCCAGGGCTTCTGAGGTTTTGCTCTAGGAAATAACCAGAATGTGAAATG-3'
Protein context (NP_000044.2, residues 787-807): KTSEALAKLM[Ser797Phe]LQATEATVVT

ClinVar aggregate classification (germline): Uncertain significance. Review status: criteria provided, single submitter (1 of 4 stars). 2 submissions from 2 submitters: Uncertain significance (1). 1 of the submissions does not count toward it. Last evaluated 2023-10-20.

Conditions:
Wilson disease (WND). Also called: Wilson's disease. Identifiers: Orphanet 905, MedGen C0019202, MONDO:0010200, OMIM 277900. Disease mechanism: loss of function.

Allele frequency attached by ClinVar (database versions not stated): TOPMed 0.00001.

Submissions (2):

Women's Health and Genetics/Laboratory Corporation of America, LabCorp
Classification: Uncertain significance. Last evaluated: 2023-10-20. Review status: criteria provided, single submitter. Criteria: LabCorp Variant Classification Summary - May 2015. Collection method: clinical testing. Allele origin: germline.
Comment: Variant summary: ATP7B c.2390C>T (p.Ser797Phe) results in a non-conservative amino acid change in the encoded protein sequence. Five of five in-silico tools predict a damaging effect of the variant on protein function. The variant was absent in 249506 control chromosomes (gnomAD). The available data on variant occurrences in the general population are insufficient to allow any conclusion about variant significance. c.2390C>T has been reported in the literature in at least one individual affected with Wilson Disease (e.g. Dong_2016, Li_2021, Xu_2023). These reports do not provide unequivocal conclusions about association of the variant with Wilson Disease. To our knowledge, no experimental evidence demonstrating an impact on protein function has been reported. The following publications have been ascertained in the context of this evaluation (PMID: 27022412, 34470610, 36343861). One submitter has cited a clinical-significance assessment for this variant to ClinVar after 2014 and has classified the variant as uncertain significance. Based on the evidence outlined above, the variant was classified as uncertain significance.

Counsyl
Classification: Uncertain significance for Wilson disease. Last evaluated: 2017-01-13. Review status: no assertion criteria provided. Collection method: clinical testing. Allele origin: unknown. Not counted in ClinVar's aggregate classification.

Literature cited by the submitters: PubMed 27022412 (cited by Women's Health and Genetics/Laboratory Corporation of America, LabCorp and Counsyl); PubMed 34470610 (cited by Women's Health and Genetics/Laboratory Corporation of America, LabCorp); PubMed 36343861 (cited by Women's Health and Genetics/Laboratory Corporation of America, LabCorp).